The following is an entry in ClinVar:

NM_001267550.2(TTN):c.82742del (p.Asp27581fs)

Genes: TTN (titin; minus strand), TTN-AS1 (TTN antisense RNA 1; plus strand). Cytogenetic location: 2q31.2.
Variant type: Deletion.
Coding change: c.82742del on transcript NM_001267550.2 (MANE Select); coding-DNA position 82742, one base deleted (A; older notation c.82742delA).
Protein change: p.Asp27581fs; shifts the reading frame from aspartic acid 27581.
Molecular consequence: frameshift variant.
Genome position (GRCh38, 1-based): chr2:178,563,390, T deleted on the plus strand (A on the coding strand, the reverse complement: TTN is on the minus strand). VCF-style (leftmost placement, unchanged base first): chr2-178563389-GT-G. GRCh37 (hg19) VCF-style: chr2-179428116-GT-G.
Other names: c.77819del, p.Asp25940fs (NM_001256850.1); c.55547del, p.Asp18516fs (NM_003319.4); c.75038del, p.Asp25013fs (NM_133378.4); c.55922del, p.Asp18641fs (NM_133432.3); c.56123del, p.Asp18708fs (NM_133437.4); short protein forms D18516fs, D18641fs, D18708fs, D25013fs, D25940fs, D27581fs.
Identifiers: ClinVar variation 3759629 (VCV003759629.2).

ClinVar aggregate classification (germline): Likely pathogenic (1 of 4 stars; one submission).

Conditions:
Dilated cardiomyopathy 1G (CMD1G). Identifiers: Orphanet 154, MedGen C1858763, MONDO:0011400, OMIM 604145.
Autosomal recessive limb-girdle muscular dystrophy type 2J (LGMDR10). Also called: Limb-girdle muscular dystrophy, type 2J; MUSCULAR DYSTROPHY, LIMB-GIRDLE, AUTOSOMAL RECESSIVE 10. Identifiers: Orphanet 140922, MedGen C1837342, MONDO:0012127, OMIM 608807.

Submission:

Labcorp Genetics (formerly Invitae), Labcorp
Classification: Likely pathogenic for Dilated cardiomyopathy 1G; Autosomal recessive limb-girdle muscular dystrophy type 2J. Last evaluated: 2024-10-30. Review status: criteria provided, single submitter. Criteria: Invitae Variant Classification Sherloc (09022015). Collection method: clinical testing. Allele origin: germline.
Comment: This sequence change creates a premature translational stop signal (p.Asp27581Alafs*27) in the TTN gene. While this is not anticipated to result in nonsense mediated decay, it is expected to create a truncated TTN protein. This variant is not present in population databases (gnomAD no frequency). This variant has not been reported in the literature in individuals affected with TTN-related conditions. This variant is located in the A band of TTN (PMID: 25589632). Truncating variants in this region are significantly overrepresented in patients affected with dilated cardiomyopathy (PMID: 25589632). Truncating variants in this region have also been reported in individuals affected with autosomal recessive centronuclear myopathy (PMID: 23975875). In summary, the currently available evidence indicates that the variant is pathogenic, but additional data are needed to prove that conclusively. Therefore, this variant has been classified as Likely Pathogenic.

Literature cited by the submitters: PubMed 25589632; PubMed 23975875.